The following is an entry in ClinVar:

NM_000548.5(TSC2):c.2838-3T>C

Gene: TSC2 (TSC complex subunit 2; plus strand). Cytogenetic location: 16p13.3.
Variant type: single nucleotide variant.
Coding change: c.2838-3T>C on transcript NM_000548.5 (MANE Select); 3 bases into the intron before coding-DNA position 2838, T replaced by C.
Molecular consequence: intron variant.
Genome position (GRCh38, 1-based): chr16:2,077,595, T>C. VCF-style: chr16-2077595-T-C. GRCh37 (hg19) VCF-style: chr16-2127596-T-C.
Other names: c.2838-3T>C (NM_001114382.3); c.2837+1010T>C (NM_021055.3, NM_001370405.1, NM_001363528.2 and 2 more transcripts); c.2726+1010T>C (NM_001318827.2); c.2237+1010T>C (NM_001318831.2); c.2690+1010T>C (NM_001318829.2); c.2870+1010T>C (NM_001318832.2).
Identifiers: ClinVar variation 536062 (VCV000536062.15), dbSNP rs553942147, ClinGen allele CA042338.

ClinVar aggregate classification (germline): Conflicting classifications of pathogenicity. Review status: criteria provided, conflicting classifications (1 of 4 stars). 8 submissions from 8 submitters: Uncertain significance (4); Likely benign (4). Last evaluated 2026-01-02.

Conditions:
Hereditary cancer-predisposing syndrome. Also called: Neoplastic Syndromes, Hereditary; Tumor predisposition; Hereditary Cancer Syndrome; Hereditary neoplastic syndrome. Identifiers: Orphanet 140162, MedGen C0027672, MeSH D009386, MONDO:0015356.
Tuberous sclerosis 2 (TSC2). Identifiers: Orphanet 805, MedGen C1860707, MONDO:0013199, OMIM 613254.
Tuberous sclerosis syndrome (TSC). Also called: Tuberous Sclerosis Complex; Tuberous sclerosis. Identifiers: Orphanet 805, MedGen C0041341, MONDO:0001734.

Allele frequency attached by ClinVar (database versions not stated): ExAC 0.00001; gnomAD 0.00001; 1000 Genomes Project 30x 0.00016; 1000 Genomes Project 0.00020.
gnomAD v4.1: 5 of 1,612,874 alleles (0.00031%); highest among the groups gnomAD compares: South Asian, 0.0055%; no homozygotes.

Submissions (8):

Labcorp Genetics (formerly Invitae), Labcorp
Classification: Likely benign for Tuberous sclerosis 2. Last evaluated: 2026-01-02. Review status: criteria provided, single submitter. Criteria: Invitae Variant Classification Sherloc (09022015). Collection method: clinical testing. Allele origin: germline.

Myriad Genetics, Inc.
Classification: Likely benign for Tuberous sclerosis 2. Last evaluated: 2025-05-27. Review status: criteria provided, single submitter. Criteria: Myriad Autosomal Dominant, Autosomal Recessive and X-Linked Classification Criteria (2023). Collection method: clinical testing. Allele origin: unknown.
Comment: This variant is considered likely benign. This variant is intronic and is not expected to impact mRNA splicing.

Ambry Genetics
Classification: Uncertain significance for Hereditary cancer-predisposing syndrome. Last evaluated: 2025-04-15. Review status: criteria provided, single submitter. Criteria: Ambry Variant Classification Scheme 2023. Collection method: clinical testing. Allele origin: germline.
Comment: The c.2838-3T>C intronic variant results from a T to C substitution 3 nucleotides upstream from coding exon 25 in the TSC2 gene. This nucleotide position is well conserved in available vertebrate species. In silico splice site analysis predicts that this alteration will not have any significant effect on splicing. Based on the available evidence, the clinical significance of this variant remains unclear.

Quest Diagnostics Nichols Institute San Juan Capistrano
Classification: Uncertain significance. Last evaluated: 2024-09-08. Review status: criteria provided, single submitter. Criteria: Quest Diagnostics criteria. Collection method: clinical testing. Allele origin: unknown.
Comment: The TSC2 c.2838-3T>C variant has not been reported in individuals with TSC2-related conditions in the published literature. The frequency of this variant in the general population, 0.0000066 (1/152084 chromosomes (Genome Aggregation Database)), is uninformative in the assessment of its pathogenicity. Analysis of this variant using software algorithms for the prediction of the effect of nucleotide changes on splicing yielded predictions that this variant does not affect TSC2 mRNA splicing. Based on the available information, we are unable to determine the clinical significance of this variant.

All of Us Research Program, National Institutes of Health
Classification: Likely benign for Tuberous sclerosis syndrome. Last evaluated: 2023-07-19. Review status: criteria provided, single submitter. Criteria: ACMG Guidelines, 2015. Collection method: clinical testing. Allele origin: germline. Inheritance: Autosomal dominant inheritance. Observed: 1 variant allele, 1 heterozygote.
Comment: This study involves interpretation of variants in research participants for the purpose of population health screening. Participant phenotype was not available at the time of variant classification. Additional details can be found in publication PMID: 35346344, PMCID: PMC8962531

St. Jude Molecular Pathology, St. Jude Children's Research Hospital
Classification: Uncertain significance for Tuberous sclerosis 2. Last evaluated: 2023-04-20. Review status: criteria provided, single submitter. Criteria: St. Jude Assertion Criteria 2020. Collection method: clinical testing. Allele origin: germline.
Comment: The TSC2 c.2838-3T>C intronic change results in a T to C substitution at the -3 position of intron 25 of the TSC2 gene. Algorithms that predict the impact of sequence changes on splicing are inconclusive, and internal RNA data cannot conclusively determine the impact of this variant. This variant is absent in gnomAD v2.1.1. To our knowledge, this variant has not been reported in individuals with tuberous sclerosis complex. In summary, the evidence currently available is insufficient to determine the clinical significance of this variant. It has therefore been classified as of uncertain significance.

Color Diagnostics, LLC DBA Color Health
Classification: Likely benign for Tuberous sclerosis syndrome. Last evaluated: 2022-11-29. Review status: criteria provided, single submitter. Criteria: ACMG Guidelines, 2015. Collection method: clinical testing. Allele origin: germline.

Sema4
Classification: Uncertain significance for Hereditary cancer-predisposing syndrome. Last evaluated: 2021-05-26. Review status: criteria provided, single submitter. Criteria: Sema4 Curation Guidelines. Collection method: curation. Allele origin: germline.
Comment: The TSC2 c.2838-3T>C variant has not been reported in the literature to our knowledge. It was not observed in the large and broad cohorts of the Genome Aggregation Database (PMID: 32461654). The variant has been reported in ClinVar (Variation ID 536062). Splice site prediction tools suggest the variant does not disrupt normal splicing, however these predictions have not been confirmed by published transcriptional studies. The evidence is insufficient to meet ACMG/AMP criteria for classifying the variant as benign or pathogenic. Thus, the clinical significance of this variant is currently uncertain.